The following is an entry in ClinVar:

NM_031921.6(ATAD3B):c.777C>T (p.Val259=)

Gene: ATAD3B (ATPase family AAA domain containing 3B; plus strand). Cytogenetic location: 1p36.33.
Variant type: single nucleotide variant.
Coding change: c.777C>T on transcript NM_031921.6 (MANE Select); coding-DNA position 777, C replaced by T.
Protein change: p.Val259=; no amino-acid change (valine 259 retained).
Molecular consequence: synonymous variant.
Genome position (GRCh38, 1-based): chr1:1,485,042, C>T. VCF-style: chr1-1485042-C-T. GRCh37 (hg19) VCF-style: chr1-1420422-C-T.
Other names: c.639C>T, p.Val213= (NM_001317238.2).
Identifiers: ClinVar variation 2638016 (VCV002638016.25), dbSNP rs766091128, ClinGen allele CA524621.

ClinVar aggregate classification (germline): Likely benign. Review status: criteria provided, multiple submitters, no conflicts (2 of 4 stars). 2 submissions from 2 submitters: Likely benign (2). Last evaluated 2022-04-01.

Allele frequency attached by ClinVar (database versions not stated): gnomAD exomes 0.00010; gnomAD 0.00017; 1000 Genomes Project 30x 0.00094.
gnomAD v4.1: 178 of 1,601,526 alleles (0.011%); highest among the groups gnomAD compares: African/African-American, 0.044%; no homozygotes.

Submissions (2):

CeGaT Center for Human Genetics Tuebingen
Classification: Likely benign. Last evaluated: 2022-04-01. Review status: criteria provided, single submitter. Criteria: CeGaT Center For Human Genetics Tuebingen Variant Classification Criteria Version 2. Collection method: clinical testing. Allele origin: germline. Affected: yes. Observed: 1 variant allele.
Comment: ATAD3B: BP4, BP7

Breakthrough Genomics
Classification: Likely benign. Review status: criteria provided, single submitter. Criteria: ACMG Guidelines, 2015. Collection method: not provided. Allele origin: germline. Inheritance: Unknown mechanism. Affected: yes.